The following is an entry in ClinVar:

ClinVar aggregate classification (germline): Uncertain significance (1 of 4 stars; one submission).

Conditions:
Inborn genetic diseases. Identifiers: MedGen C0950123, MeSH D030342.

gnomAD v4.1: 2 of 1,614,254 alleles (0.00012%); highest among the groups gnomAD compares: South Asian, 0.0011%; no homozygotes.

Submission:

Ambry Genetics
Classification: Uncertain significance for Inborn genetic diseases. Last evaluated: 2024-04-04. Review status: criteria provided, single submitter. Criteria: Ambry Variant Classification Scheme 2023. Collection method: clinical testing. Allele origin: germline.
Comment: The p.T198R variant (also known as c.593C>G), located in coding exon 5 of the MRAS gene, results from a C to G substitution at nucleotide position 593. The threonine at codon 198 is replaced by arginine, an amino acid with similar properties. This amino acid position is conserved. In addition, this alteration is predicted to be tolerated by in silico analysis. Based on the available evidence, the clinical significance of this variant remains unclear.

NM_001085049.3(MRAS):c.593C>G (p.Thr198Arg)

Gene: MRAS (muscle RAS oncogene homolog; plus strand). Cytogenetic location: 3q22.3.
Variant type: single nucleotide variant.
Coding change: c.593C>G on transcript NM_001085049.3 (MANE Select); coding-DNA position 593, C replaced by G.
Protein change: p.Thr198Arg; replaces threonine 198 with arginine.
Molecular consequence: missense variant.
Genome position (GRCh38, 1-based): chr3:138,402,235, C>G. VCF-style: chr3-138402235-C-G. GRCh37 (hg19) VCF-style: chr3-138121077-C-G.
Other names: c.593C>G, p.Thr198Arg (NM_001252090.2, NM_012219.4); c.365C>G, p.Thr122Arg (NM_001252091.1, NM_001252092.2, NM_001252093.2); short protein forms T122R, T198R.
Identifiers: ClinVar variation 3295784 (VCV003295784.1).
Genomic context (GRCh38, chr3:138,402,235, plus strand): 5'-AGATTCCGGAAAAAAGCCAGAAGAAGAAGAAGAAAACCAAATGGCGGGGAGACCGGGCCA[C>G]AGGCACCCACAAACTGCAATGTGTGATCTTGTGACAGGCCTGAGGCCCTGGGCACAGTGA-3'
Protein context (NP_001078518.1, residues 188-208): KKTKWRGDRA[Thr198Arg]GTHKLQCVIL